The following is an entry in ClinVar:

ClinVar aggregate classification (germline): Uncertain significance (1 of 4 stars; one submission).

Allele frequency attached by ClinVar (database versions not stated): gnomAD 0.00001 and 0.00002; TOPMed 0.00002; gnomAD exomes 0.00003 and 0.00007; ExAC 0.00006; 1000 Genomes Project 30x 0.00016; 1000 Genomes Project 0.00020.
gnomAD v4.1: 48 of 1,614,152 alleles (0.003%); highest among the groups gnomAD compares: East Asian, 0.016%; 1 homozygote.

Submission:

Labcorp Genetics (formerly Invitae), Labcorp
Classification: Uncertain significance. Last evaluated: 2021-11-11. Review status: criteria provided, single submitter. Criteria: Invitae Variant Classification Sherloc (09022015). Collection method: clinical testing. Allele origin: germline.
Comment: This sequence change replaces arginine, which is basic and polar, with cysteine, which is neutral and slightly polar, at codon 836 of the BMP1 protein (p.Arg836Cys). This variant is present in population databases (rs202166852, gnomAD 0.03%), including at least one homozygous and/or hemizygous individual. This variant has not been reported in the literature in individuals affected with BMP1-related conditions. Algorithms developed to predict the effect of missense changes on protein structure and function (SIFT, PolyPhen-2, Align-GVGD) all suggest that this variant is likely to be disruptive. In summary, the available evidence is currently insufficient to determine the role of this variant in disease. Therefore, it has been classified as a Variant of Uncertain Significance.

NM_006129.5(BMP1):c.2506C>T (p.Arg836Cys)

Gene: BMP1 (bone morphogenetic protein 1; plus strand). Cytogenetic location: 8p21.3.
Variant type: single nucleotide variant.
Coding change: c.2506C>T on transcript NM_006129.5 (MANE Select); coding-DNA position 2506, C replaced by T.
Protein change: p.Arg836Cys; replaces arginine 836 with cysteine.
Molecular consequence: missense variant. On other transcripts: non-coding transcript variant (1).
Genome position (GRCh38, 1-based): chr8:22,207,447, C>T. VCF-style: chr8-22207447-C-T. GRCh37 (hg19) VCF-style: chr8-22064960-C-T.
Other names: short protein forms R836C.
Identifiers: ClinVar variation 1356366 (VCV001356366.3), dbSNP rs202166852, ClinGen allele CA4665276.